The following is an entry in ClinVar:

ClinVar aggregate classification (germline): Benign. Review status: criteria provided, multiple submitters, no conflicts (2 of 4 stars). 3 submissions from 3 submitters: Benign (2). 1 of the submissions does not count toward it. Last evaluated 2026-01-26.

Conditions:
RASGRP1-related disorder. Also called: RASGRP1-related condition.

Allele frequency attached by ClinVar (database versions not stated): gnomAD exomes 0.00073 and 0.00199; ExAC 0.00272; gnomAD 0.00800 and 0.00858; TOPMed 0.00883; ESP Exome Variant Server 0.00919; 1000 Genomes Project 30x 0.01234; 1000 Genomes Project 0.01258.
gnomAD v4.1: 2,320 of 1,607,672 alleles (0.14%); highest among the groups gnomAD compares: African/African-American, 2.9%; 35 homozygotes.

Submissions (3):

Labcorp Genetics (formerly Invitae), Labcorp
Classification: Benign. Last evaluated: 2026-01-26. Review status: criteria provided, single submitter. Criteria: Invitae Variant Classification Sherloc (09022015). Collection method: clinical testing. Allele origin: germline.

Mayo Clinic Laboratories, Mayo Clinic
Classification: Benign. Last evaluated: 2025-05-05. Review status: criteria provided, single submitter. Criteria: ACMG Guidelines, 2015. Collection method: clinical testing. Allele origin: germline. Observed: 1 variant allele.
Comment: BA1, BS2, BP4, BP7

PreventionGenetics, part of Exact Sciences
Classification: Benign for RASGRP1-related condition. Last evaluated: 2019-07-08. Review status: no assertion criteria provided. Collection method: clinical testing. Allele origin: germline. Not counted in ClinVar's aggregate classification.
Comment: This variant is classified as benign based on ACMG/AMP sequence variant interpretation guidelines (Richards et al. 2015 PMID: 25741868, with internal and published modifications).

NM_005739.4(RASGRP1):c.1479A>G (p.Glu493=)

Gene: RASGRP1 (RAS guanyl releasing protein 1; minus strand). Cytogenetic location: 15q14.
Variant type: single nucleotide variant.
Coding change: c.1479A>G on transcript NM_005739.4 (MANE Select); coding-DNA position 1479, A replaced by G.
Protein change: p.Glu493=; no amino-acid change (glutamic acid 493 retained).
Molecular consequence: synonymous variant.
Genome position (GRCh38, 1-based): chr15:38,502,371, T>C on the plus strand (A>G on the coding strand, the complement: RASGRP1 is on the minus strand). VCF-style: chr15-38502371-T-C. GRCh37 (hg19) VCF-style: chr15-38794572-T-C.
Other names: p.Glu493=; c.1479A>G (NM_005739.3); c.1374A>G, p.Glu458= (NM_001128602.2, NM_001306086.2).
Identifiers: ClinVar variation 1169551 (VCV001169551.12), dbSNP rs12324516, ClinGen allele CA7470887.
Genomic context (GRCh38, chr15:38,502,371, plus strand): 5'-CCTGTCTTTGTCCATCACACAGAAGGAAAATGGAAAACTCGCAGCAATCTTTTCAAATTC[T>C]TCCTGAGAAATGTATCCATCCTGGTCGTGATCATAGTTCTTGAAGACAGACTGTGAAAAA-3'
Protein context (NP_005730.2, residues 483-503): DHDQDGYISQ[Glu493=]EFEKIAASFP